The following is an entry in ClinVar:

ClinVar aggregate classification (germline): Uncertain significance (1 of 4 stars; one submission).

Conditions:
Intellectual disability-strabismus syndrome (NEDBGF). Also called: NEURODEVELOPMENTAL DISORDER WITH BRAIN ABNORMALITIES, POOR GROWTH, AND DYSMORPHIC FACIES. Identifiers: Orphanet 363528, MedGen C4750838, MONDO:0014119, OMIM 615286.

gnomAD v4.1: 51 of 1,609,746 alleles (0.0032%); highest among the groups gnomAD compares: Non-Finnish European, 0.0042%; no homozygotes.

Submission:

Clinical Genomics Laboratory, Washington University in St. Louis
Classification: Uncertain significance for Intellectual disability-strabismus syndrome. Last evaluated: 2025-04-23. Review status: criteria provided, single submitter. Criteria: ACMG Guidelines, 2015. Collection method: clinical testing. Allele origin: germline.
Comment: The ADAT3 c.930C>A (p.Cys310*) variant, to our knowledge, has not been reported in the medical literature. This variant is only observed on 6 out of 271,320 alleles in the general population (gnomAD v2.1.1), indicating it is not a common variant. This variant causes a premature termination codon; however, because this occurs in the last exon, this is not predicted to lead to nonsense mediated decay. Due to limited information, and based on ACMG/AMP guidelines for variant interpretation (Richards S et al., PMID: 25741868), the clinical significance of this variant is uncertain at this time.

NM_138422.4(ADAT3):c.930C>A (p.Cys310Ter)

Genes: ADAT3 (adenosine deaminase tRNA specific 3; plus strand), SCAMP4 (secretory carrier membrane protein 4; plus strand). Cytogenetic location: 19p13.3.
Variant type: single nucleotide variant.
Coding change: c.930C>A on transcript NM_138422.4 (MANE Select); coding-DNA position 930, C replaced by A.
Protein change: p.Cys310Ter; replaces cysteine 310 with a stop codon.
Molecular consequence: nonsense. On other transcripts: intron variant (3).
Genome position (GRCh38, 1-based): chr19:1,912,977, C>A. VCF-style: chr19-1912977-C-A. GRCh37 (hg19) VCF-style: chr19-1912976-C-A.
Other names: c.882C>A, p.Cys294Ter (NM_001329533.2); c.-41-2002C>A (NM_079834.4, NM_001329540.2); c.-125-4717C>A (NM_001329539.2); short protein forms C310*, C294*.
Identifiers: ClinVar variation 4279765 (VCV004279765.1), dbSNP rs150936899.